The following is an entry in ClinVar:

ClinVar aggregate classification (germline): Benign. Review status: criteria provided, single submitter (1 of 4 stars). 2 submissions from 2 submitters: Benign (1). 1 of the submissions does not count toward it. Last evaluated 2018-03-29.

Conditions:
LRP1B-related disorder. Also called: LRP1B-related condition.

Allele frequency attached by ClinVar (database versions not stated): ESP Exome Variant Server 0.00008; gnomAD exomes 0.00022 and 0.00104; gnomAD 0.00034 and 0.00042; TOPMed 0.00052; ExAC 0.00085; 1000 Genomes Project 30x 0.00172; 1000 Genomes Project 0.00200.
gnomAD v4.1: 412 of 1,610,766 alleles (0.026%); highest among the groups gnomAD compares: East Asian, 0.8%; 1 homozygote.

Submissions (2):

Labcorp Genetics (formerly Invitae), Labcorp
Classification: Benign. Last evaluated: 2018-03-29. Review status: criteria provided, single submitter. Criteria: Invitae Variant Classification Sherloc (09022015). Collection method: clinical testing. Allele origin: germline.

PreventionGenetics, part of Exact Sciences
Classification: Benign for LRP1B-related condition. Last evaluated: 2019-12-06. Review status: no assertion criteria provided. Collection method: clinical testing. Allele origin: germline. Not counted in ClinVar's aggregate classification.
Comment: This variant is classified as benign based on ACMG/AMP sequence variant interpretation guidelines (Richards et al. 2015 PMID: 25741868, with internal and published modifications).

NM_018557.3(LRP1B):c.11511G>A (p.Met3837Ile)

Gene: LRP1B (LDL receptor related protein 1B; minus strand). Cytogenetic location: 2q22.1.
Variant type: single nucleotide variant.
Coding change: c.11511G>A on transcript NM_018557.3 (MANE Select); coding-DNA position 11511, G replaced by A.
Protein change: p.Met3837Ile; replaces methionine 3837 with isoleucine.
Molecular consequence: missense variant.
Genome position (GRCh38, 1-based): chr2:140,356,361, C>T on the plus strand (G>A on the coding strand, the complement: LRP1B is on the minus strand). VCF-style: chr2-140356361-C-T. GRCh37 (hg19) VCF-style: chr2-141113930-C-T.
Other names: short protein forms M3837I.
Identifiers: ClinVar variation 729517 (VCV000729517.5), dbSNP rs190269691, ClinGen allele CA1893068.